The following is an entry in ClinVar:

ClinVar aggregate classification (germline): Pathogenic. Review status: reviewed by expert panel (3 of 4 stars). 13 submissions from 13 submitters: Pathogenic (1). 12 of the submissions do not count toward it. Last evaluated 2016-09-08.

Conditions:
Hereditary cancer-predisposing syndrome. Also called: Neoplastic Syndromes, Hereditary; Tumor predisposition; Hereditary neoplastic syndrome; Hereditary Cancer Syndrome. Identifiers: Orphanet 140162, MedGen C0027672, MeSH D009386, MONDO:0015356.
Hereditary breast ovarian cancer syndrome. Also called: Hereditary breast and ovarian cancer syndrome; Hereditary breast and ovarian cancer; Hereditary breast and ovarian cancer syndrome (HBOC); Breast and ovarian cancer; Hereditary breast and/or ovarian cancer syndrome; BRCA1- and BRCA2-Associated Hereditary Breast and Ovarian Cancer. Identifiers: Orphanet 145, MedGen C0677776, MeSH D061325, MONDO:0003582. Disease mechanism: loss of function.
Breast-ovarian cancer, familial, susceptibility to, 2 (BROVCA2). Also called: BRCA2 Hereditary Breast and Ovarian Cancer. Identifiers: Orphanet 145, MedGen C2675520, MONDO:0012933, OMIM 612555. Disease mechanism: loss of function.

Submissions (13):

Evidence-based Network for the Interpretation of Germline Mutant Alleles (ENIGMA)
Classification: Pathogenic for Breast-ovarian cancer, familial, susceptibility to, 2. Last evaluated: 2016-09-08. Review status: reviewed by expert panel. Criteria: ENIGMA BRCA1/2 Classification Criteria (2015). Collection method: curation. Allele origin: germline.
Comment: Variant allele predicted to encode a truncated non-functional protein.

Labcorp Genetics (formerly Invitae), Labcorp
Classification: Pathogenic for Hereditary breast ovarian cancer syndrome. Last evaluated: 2025-10-06. Review status: criteria provided, single submitter. Criteria: Invitae Variant Classification Sherloc (09022015). Collection method: clinical testing. Allele origin: germline. Not counted in ClinVar's aggregate classification.
Comment: This sequence change creates a premature translational stop signal (p.Asn2781Valfs*39) in the BRCA2 gene. It is expected to result in an absent or disrupted protein product. Loss-of-function variants in BRCA2 are known to be pathogenic (PMID: 20104584). This variant is not present in population databases (gnomAD no frequency). This variant has not been reported in the literature in individuals affected with BRCA2-related conditions. This variant is also known as 8568delTAAC or 8568del4. ClinVar contains an entry for this variant (Variation ID: 52556). For these reasons, this variant has been classified as Pathogenic.

Molecular Pathology, Peter Maccallum Cancer Centre
Classification: Pathogenic for Breast-ovarian cancer, familial, susceptibility to, 2. Last evaluated: 2024-05-10. Review status: criteria provided, single submitter. Criteria: ACMG Guidelines, 2015. Collection method: clinical testing. Allele origin: germline. Inheritance: Autosomal dominant inheritance. Not counted in ClinVar's aggregate classification.

Ambry Genetics
Classification: Pathogenic for Hereditary cancer-predisposing syndrome. Last evaluated: 2023-03-16. Review status: criteria provided, single submitter. Criteria: Ambry Variant Classification Scheme 2023. Collection method: clinical testing. Allele origin: germline. Not counted in ClinVar's aggregate classification.
Comment: The c.8340_8343delTAAC pathogenic mutation, located in coding exon 18 of the BRCA2 gene, results from a deletion of 4 nucleotides from nucleotide positions 8340 to 8343, causing a translational frameshift with a predicted alternate stop codon (p.N2781Vfs*39). In addition to the clinical data presented in the literature, this alteration is expected to result in loss of function by premature protein truncation or nonsense-mediated mRNA decay. As such, this alteration is interpreted as a disease-causing mutation.

GeneDx
Classification: Pathogenic. Last evaluated: 2022-11-07. Review status: criteria provided, single submitter. Criteria: GeneDx Variant Classification Process June 2021. Collection method: clinical testing. Allele origin: germline. Affected: yes. Not counted in ClinVar's aggregate classification.
Comment: Frameshift variant predicted to result in protein truncation or nonsense mediated decay in a gene for which loss-of-function is a known mechanism of disease; Observed in individuals with breast and/or ovarian cancer (Risch et al., 2006; Litton et al., 2012); Not observed at significant frequency in large population cohorts (gnomAD); Truncating variants in this gene are considered pathogenic by a well-established clinical consortium and/or database; Also known as 8568_8571del; This variant is associated with the following publications: (PMID: 17148771, 21324516, 21913181)

Women's Health and Genetics/Laboratory Corporation of America, LabCorp
Classification: Pathogenic for Hereditary breast and ovarian cancer syndrome. Last evaluated: 2020-11-19. Review status: criteria provided, single submitter. Criteria: LabCorp Variant Classification Summary - May 2015. Collection method: clinical testing. Allele origin: germline. Not counted in ClinVar's aggregate classification.
Comment: Variant summary: BRCA2 c.8340_8343delTAAC (p.Asn2781ValfsX39) results in a premature termination codon, predicted to cause a truncation of the encoded protein or absence of the protein due to nonsense mediated decay, which are commonly known mechanisms for disease. Truncations downstream of this position have been classified as pathogenic by our laboratory. The variant was absent in 251416 control chromosomes (gnomAD). c.8340_8343delTAAC has been reported in the literature in individuals affected with breast cancer or ovarian cancer (Risch_2006, Litton_2012, Rebbeck_2018). These data indicate that the variant may be associated with disease. To our knowledge, no experimental evidence demonstrating an impact on protein function has been reported. Eight ClinVar submitters, including one expert panel (ENIGMA), (evaluation after 2014) cite the variant as pathogenic. Based on the evidence outlined above, the variant was classified as pathogenic.

Color Diagnostics, LLC DBA Color Health
Classification: Pathogenic for Hereditary cancer-predisposing syndrome. Last evaluated: 2020-01-15. Review status: criteria provided, single submitter. Criteria: ACMG Guidelines, 2015. Collection method: clinical testing. Allele origin: germline. Not counted in ClinVar's aggregate classification.
Comment: This variant deletes 4 nucleotides in exon 19 of the BRCA2 gene, creating a frameshift and premature translation stop signal. This variant is expected to result in an absent or non-functional protein product. This variant has not been identified in the general population by the Genome Aggregation Database (gnomAD). Loss of BRCA2 function is a known mechanism of disease. Based on the available evidence, this variant is classified as Pathogenic.

Quest Diagnostics Nichols Institute San Juan Capistrano
Classification: Pathogenic. Last evaluated: 2016-11-17. Review status: criteria provided, single submitter. Criteria: Quest Diagnostics criteria. Collection method: clinical testing. Allele origin: germline. Not counted in ClinVar's aggregate classification.

Consortium of Investigators of Modifiers of BRCA1/2 (CIMBA), c/o University of Cambridge
Classification: Pathogenic for Breast-ovarian cancer, familial, susceptibility to, 2. Last evaluated: 2015-10-02. Review status: criteria provided, single submitter. Criteria: CIMBA Mutation Classification guidelines May 2016. Collection method: clinical testing. Allele origin: germline. Not counted in ClinVar's aggregate classification.

Counsyl
Classification: Pathogenic for Breast-ovarian cancer, familial, susceptibility to, 2. Last evaluated: 2015-12-13. Review status: no assertion criteria provided. Collection method: clinical testing. Allele origin: unknown. Not counted in ClinVar's aggregate classification.

Research Molecular Genetics Laboratory, Women's College Hospital, University of Toronto
Classification: Pathogenic for Hereditary breast ovarian cancer syndrome. Last evaluated: 2014-01-31. Review status: no assertion criteria provided. Collection method: research. Allele origin: germline. Affected: yes. Study: The Canadian Open Genetics Repository (COGR). Not counted in ClinVar's aggregate classification.

Sharing Clinical Reports Project (SCRP)
Classification: Pathogenic for Breast-ovarian cancer, familial 2. Last evaluated: 2007-10-18. Review status: no assertion criteria provided. Collection method: clinical testing. Allele origin: germline. Not counted in ClinVar's aggregate classification.

Breast Cancer Information Core (BIC) (BRCA2)
Classification: Pathogenic for Breast-ovarian cancer, familial 2. Last evaluated: 2003-12-23. Review status: no assertion criteria provided. Collection method: clinical testing. Allele origin: germline. Affected: yes. Observed: 1 variant allele. Not counted in ClinVar's aggregate classification.

Literature cited by the submitters: PubMed 20104584 (cited by Labcorp Genetics (formerly Invitae), Labcorp); PubMed 17148771 (cited by 3 submitters); PubMed 21324516 (cited by 4 submitters); PubMed 21913181 (cited by Women's Health and Genetics/Laboratory Corporation of America, LabCorp and Counsyl); PubMed 29446198 (cited by Women's Health and Genetics/Laboratory Corporation of America, LabCorp).

NM_000059.4(BRCA2):c.8340_8343del (p.Asn2781fs)

Gene: BRCA2 (BRCA2 DNA repair associated; plus strand). Cytogenetic location: 13q13.1.
Variant type: Deletion.
Coding change: c.8340_8343del on transcript NM_000059.4 (MANE Select); coding-DNA positions 8340 to 8343, 4 bases deleted (TAAC; older notation c.8340_8343delTAAC).
Protein change: p.Asn2781fs; shifts the reading frame from asparagine 2781.
Molecular consequence: frameshift variant.
Genome position (GRCh38, 1-based): chr13:32,370,410-32,370,413, TAAC deleted; deleting any 4 consecutive bases within chr13:32,370,409-32,370,413 gives the same sequence; the c. name uses the placement nearest the transcript's 3' end. VCF-style (leftmost placement, unchanged base first): chr13-32370408-GCTAA-G. GRCh37 (hg19) VCF-style: chr13-32944545-GCTAA-G.
Other names: 8568del4; c.8340_8343delTAAC (NM_000059.3).
Identifiers: ClinVar variation 52556 (VCV000052556.29), dbSNP rs80359707, ClinGen allele CA025590.
Genomic context (GRCh38, chr13:32,370,408, plus strand): 5'-TAGAATTGAATACATATTTAACTACTAAATCAATATATTTATTAATTTGTCCAGATTTCT[GCTAA>G]CAGTACTCGGCCTGCTCGCTGGTATACCAAACTTGGATTCTTTCCTGACCCTAGACCTTT-3'